The following is an entry in ClinVar:

NM_001244008.2(KIF1A):c.5215A>G (p.Thr1739Ala)

Gene: KIF1A (kinesin family member 1A; minus strand). Cytogenetic location: 2q37.3.
Variant type: single nucleotide variant.
Coding change: c.5215A>G on transcript NM_001244008.2 (MANE Select); coding-DNA position 5215, A replaced by G.
Protein change: p.Thr1739Ala; replaces threonine 1739 with alanine.
Molecular consequence: missense variant.
Genome position (GRCh38, 1-based): chr2:240,718,168, T>C on the plus strand (A>G on the coding strand, the complement: KIF1A is on the minus strand). VCF-style: chr2-240718168-T-C. GRCh37 (hg19) VCF-style: chr2-241657585-T-C.
Other names: c.4939A>G, p.Thr1647Ala (NM_001320705.2, NM_001379649.1); c.4966A>G, p.Thr1656Ala (NM_001330289.2); c.5014A>G, p.Thr1672Ala (NM_001330290.2, NM_001379648.1); c.5290A>G, p.Thr1764Ala (NM_001379631.1); c.5191A>G, p.Thr1731Ala (NM_001379632.1); c.5188A>G, p.Thr1730Ala (NM_001379633.1, NM_001379645.1); c.5041A>G, p.Thr1681Ala (NM_001379634.1); c.5038A>G, p.Thr1680Ala (NM_001379635.1, NM_001379646.1); and 8 more; short protein forms T1626A, T1637A, T1638A, T1646A, T1647A, T1655A, T1656A, T1663A.
Identifiers: ClinVar variation 3750835 (VCV003750835.2).
Genomic context (GRCh38, chr2:240,718,168, plus strand): 5'-CGCTGGCGGCCTGCAGCAGGATGCCGCGGTGTTCCGTGCACACCGCGAATGTGTTGGGTG[T>C]CTGCAGAGGGAGGCAGCTGGTGAGGAGGTGCCAGGCTCCGTGGTCAGCACACCACCCTCC-3'
Protein context (NP_001230937.1, residues 1729-1749): YSEDQQAMLK[Thr1739Ala]PNTFAVCTEH

ClinVar aggregate classification (germline): Uncertain significance (1 of 4 stars; one submission).

Conditions:
Neuropathy, hereditary sensory, type 2C. Also called: KIF1A-Related HSAN2 (HSAN2C); Hereditary sensory and autonomic neuropathy type IIC. Identifiers: Orphanet 970, MedGen C3280168, MONDO:0013634, OMIM 614213.
Hereditary spastic paraplegia 30. Identifiers: Orphanet 101010, MedGen C5235139, MONDO:0012476.
Intellectual disability, autosomal dominant 9 (NESCAVS). Also called: KIF1A-Related Neurodevelopmental Disorder; NESCAV SYNDROME. Identifiers: Orphanet 662367, MedGen C5393830, MONDO:0013656, OMIM 614255.

gnomAD v4.1: 1 of 1,596,178 alleles (0.000063%); highest among the groups gnomAD compares: Non-Finnish European, 0.000085%; no homozygotes.

Submission:

Labcorp Genetics (formerly Invitae), Labcorp
Classification: Uncertain significance for Hereditary spastic paraplegia 30; Neuropathy, hereditary sensory, type 2C; Intellectual disability, autosomal dominant 9. Last evaluated: 2024-03-03. Review status: criteria provided, single submitter. Criteria: Invitae Variant Classification Sherloc (09022015). Collection method: clinical testing. Allele origin: germline.
Comment: This sequence change replaces threonine, which is neutral and polar, with alanine, which is neutral and non-polar, at codon 1638 of the KIF1A protein (p.Thr1638Ala). This variant is not present in population databases (gnomAD no frequency). This variant has not been reported in the literature in individuals affected with KIF1A-related conditions. An algorithm developed to predict the effect of missense changes on protein structure and function (PolyPhen-2) suggests that this variant is likely to be tolerated. In summary, the available evidence is currently insufficient to determine the role of this variant in disease. Therefore, it has been classified as a Variant of Uncertain Significance.